The following is an entry in ClinVar:

ClinVar aggregate classification (germline): Likely benign. Review status: criteria provided, multiple submitters, no conflicts (2 of 4 stars). 3 submissions from 3 submitters: Likely benign (3). Last evaluated 2025-08-01.

Conditions:
DOCK2 deficiency. Also called: Immunodeficiency 40. Identifiers: Orphanet 447737, MedGen C4225328, MONDO:0014637, OMIM 616433.

Allele frequency attached by ClinVar (database versions not stated): TOPMed 0.00007; gnomAD 0.00008 and 0.00009; gnomAD exomes 0.00009; ExAC 0.00013; 1000 Genomes Project 0.00060; 1000 Genomes Project 30x 0.00062.
gnomAD v4.1: 142 of 1,613,886 alleles (0.0088%); highest among the groups gnomAD compares: East Asian, 0.038%; no homozygotes.

Submissions (3):

CeGaT Center for Human Genetics Tuebingen
Classification: Likely benign. Last evaluated: 2025-08-01. Review status: criteria provided, single submitter. Criteria: CeGaT Center For Human Genetics Tuebingen Variant Classification Criteria Version 2. Collection method: clinical testing. Allele origin: germline. Affected: yes. Observed: 1 variant allele.
Comment: DOCK2: BP4, BP7

Labcorp Genetics (formerly Invitae), Labcorp
Classification: Likely benign for DOCK2 deficiency. Last evaluated: 2025-03-31. Review status: criteria provided, single submitter. Criteria: Invitae Variant Classification Sherloc (09022015). Collection method: clinical testing. Allele origin: germline.

Blueprint Genetics
Classification: Likely benign. Last evaluated: 2024-01-19. Review status: criteria provided, single submitter. Criteria: ACMG Guidelines, 2015. Collection method: clinical testing. Allele origin: germline.

NM_004946.3(DOCK2):c.4044C>T (p.Tyr1348=)

Gene: DOCK2 (dedicator of cytokinesis 2; plus strand). Cytogenetic location: 5q35.1.
Variant type: single nucleotide variant.
Coding change: c.4044C>T on transcript NM_004946.3 (MANE Select); coding-DNA position 4044, C replaced by T.
Protein change: p.Tyr1348=; no amino-acid change (tyrosine 1348 retained).
Molecular consequence: synonymous variant. On other transcripts: non-coding transcript variant (1).
Genome position (GRCh38, 1-based): chr5:170,047,587, C>T. VCF-style: chr5-170047587-C-T. GRCh37 (hg19) VCF-style: chr5-169474591-C-T.
Identifiers: ClinVar variation 1533623 (VCV001533623.17), dbSNP rs199913251, ClinGen allele CA3554408.
Genomic context (GRCh38, chr5:170,047,587, plus strand): 5'-CTATGAAAGCATCATGAAAATCCTCAGGCCCAAACCAGACTACTTTGCTGTTGGATACTA[C>T]GGCCAGGGATTCCCCTCCTTCCTGCGGGTGAGTTTGGGGGTGACTTGGACACCAGGCGAG-3'
Protein context (NP_004937.1, residues 1338-1358): PKPDYFAVGY[Tyr1348=]GQGFPSFLRN